The following is an entry in ClinVar:

NM_000875.5(IGF1R):c.919T>A (p.Cys307Ser)

Gene: IGF1R (insulin like growth factor 1 receptor; plus strand). Cytogenetic location: 15q26.3.
Variant type: single nucleotide variant.
Coding change: c.919T>A on transcript NM_000875.5 (MANE Select); coding-DNA position 919, T replaced by A.
Protein change: p.Cys307Ser; replaces cysteine 307 with serine.
Molecular consequence: missense variant.
Genome position (GRCh38, 1-based): chr15:98,891,603, T>A. VCF-style: chr15-98891603-T-A. GRCh37 (hg19) VCF-style: chr15-99434832-T-A.
Other names: c.919T>A, p.Cys307Ser (NM_001291858.2); short protein forms C307S.
Identifiers: ClinVar variation 3731380 (VCV003731380.1).

ClinVar aggregate classification (germline): Uncertain significance (1 of 4 stars; one submission).

Conditions:
Growth delay due to insulin-like growth factor I resistance. Also called: IGF-I RESISTANCE; Insulin-Like Growth Factor I Resistance; Somatomedin end-organ insensitivity to; Somatomedin-c resistance to; IGF-1 resistance. Identifiers: Orphanet 73273, MedGen C1849157, MONDO:0010038, OMIM 270450.

Submission:

Neuberg Centre For Genomic Medicine, NCGM
Classification: Uncertain significance for Growth delay due to insulin-like growth factor I resistance. Last evaluated: 2023-06-22. Review status: criteria provided, single submitter. Criteria: ACMG Guidelines, 2015. Collection method: clinical testing. Allele origin: germline. Inheritance: Autosomal dominant inheritance. Affected: yes.
Comment: The missense variant c.919T>A (p.Cys307Ser) in IGF1R gene has not been reported previously as a pathogenic variant nor as a benign variant, to our knowledge. The p.Cys307Ser variant is absent in gnomAD exomes database. This variant has not been submitted to the ClinVar database. Multiple lines of computational evidence (Polyphen - probably damaging, SIFT - damaging and MutationTaster - disease causing) predict a damaging effect on protein structure and function for this variant. The reference amino acid at this position on IGF1R gene is predicted as conserved by GERP++ and PhyloP across 100 vertebrates. The amino acid Cys at position 307 is changed to a Ser changing protein sequence and it might alter its composition and physico-chemical properties. For these reasons, this variant has been classified as Uncertain Significance (VUS).